The following is an entry in ClinVar:

ClinVar aggregate classification (germline): Uncertain significance. Review status: criteria provided, multiple submitters, no conflicts (2 of 4 stars). 2 submissions from 2 submitters: Uncertain significance (2). Last evaluated 2024-05-30.

Conditions:
Familial hemiplegic migraine. Identifiers: MedGen C0338484, MONDO:0000700.

Allele frequency attached by ClinVar (database versions not stated): gnomAD exomes below 0.00001.
gnomAD v4.1: 1 of 1,614,134 alleles (0.000062%); highest among the groups gnomAD compares: Non-Finnish European, 0.000085%; no homozygotes.

Submissions (2):

GeneDx
Classification: Uncertain significance. Last evaluated: 2024-05-30. Review status: criteria provided, single submitter. Criteria: GeneDx Variant Classification Process June 2021. Collection method: clinical testing. Allele origin: germline. Affected: yes.
Comment: Not observed at significant frequency in large population cohorts (gnomAD); In silico analysis supports that this missense variant has a deleterious effect on protein structure/function; Has not been previously published as pathogenic or benign to our knowledge; This variant is associated with the following publications: (PMID: 18184292)

Labcorp Genetics (formerly Invitae), Labcorp
Classification: Uncertain significance for Familial hemiplegic migraine. Last evaluated: 2021-08-22. Review status: criteria provided, single submitter. Criteria: Invitae Variant Classification Sherloc (09022015). Collection method: clinical testing. Allele origin: germline.
Comment: In summary, the available evidence is currently insufficient to determine the role of this variant in disease. Therefore, it has been classified as a Variant of Uncertain Significance. Algorithms developed to predict the effect of missense changes on protein structure and function (SIFT, PolyPhen-2, Align-GVGD) all suggest that this variant is likely to be disruptive. ClinVar contains an entry for this variant (Variation ID: 1014939). This variant has been observed in individual(s) with ATP1A2-related conditions (Invitae). This variant is not present in population databases (ExAC no frequency). This sequence change replaces alanine with valine at codon 387 of the ATP1A2 protein (p.Ala387Val). The alanine residue is highly conserved and there is a small physicochemical difference between alanine and valine.

NM_000702.4(ATP1A2):c.1160C>T (p.Ala387Val)

Gene: ATP1A2 (ATPase Na+/K+ transporting subunit alpha 2; plus strand). Cytogenetic location: 1q23.2.
Variant type: single nucleotide variant.
Coding change: c.1160C>T on transcript NM_000702.4 (MANE Select); coding-DNA position 1160, C replaced by T.
Protein change: p.Ala387Val; replaces alanine 387 with valine.
Molecular consequence: missense variant.
Genome position (GRCh38, 1-based): chr1:160,128,794, C>T. VCF-style: chr1-160128794-C-T. GRCh37 (hg19) VCF-style: chr1-160098584-C-T.
Other names: c.1160C>T (NM_000702.3); short protein forms A387V.
Identifiers: ClinVar variation 1014939 (VCV001014939.9), dbSNP rs1651667301, ClinGen allele CA343239609.